The following is an entry in ClinVar:

ClinVar aggregate classification (germline): Uncertain significance. Review status: criteria provided, multiple submitters, no conflicts (2 of 4 stars). 3 submissions from 3 submitters: Uncertain significance (3). Last evaluated 2025-06-28.

Conditions:
Ehlers-Danlos syndrome, kyphoscoliotic type 1 (EDSKSCL1). Also called: PLOD1-Related Kyphoscoliotic Ehlers-Danlos Syndrome; EHLERS-DANLOS SYNDROME, TYPE VIA; EHLERS-DANLOS SYNDROME, OCULAR-SCOLIOTIC TYPE; Ehlers-Danlos syndrome, hydroxylysine-deficient. Identifiers: Orphanet 1900, MedGen C0268342, MONDO:0016002, OMIM 225400. Disease mechanism: loss of function.
Familial thoracic aortic aneurysm and aortic dissection (TAAD). Also called: Thoracic aortic aneurysms and dissections. Identifiers: Orphanet 91387, MedGen C4707243, MONDO:0019625.

Allele frequency attached by ClinVar (database versions not stated): gnomAD exomes 0.00001 and 0.00002; ExAC 0.00002; gnomAD 0.00003; TOPMed 0.00004; ESP Exome Variant Server 0.00008; 1000 Genomes Project 30x 0.00016; 1000 Genomes Project 0.00020.
gnomAD v4.1: 32 of 1,613,708 alleles (0.002%); highest among the groups gnomAD compares: Middle Eastern, 0.033%; no homozygotes.

Submissions (3):

Ambry Genetics
Classification: Uncertain significance for Familial thoracic aortic aneurysm and aortic dissection. Last evaluated: 2025-06-28. Review status: criteria provided, single submitter. Criteria: Ambry Variant Classification Scheme 2023. Collection method: clinical testing. Allele origin: germline.
Comment: The p.I560V variant (also known as c.1678A>G), located in coding exon 16 of the PLOD1 gene, results from an A to G substitution at nucleotide position 1678. The isoleucine at codon 560 is replaced by valine, an amino acid with highly similar properties. This amino acid position is well conserved in available vertebrate species; however, valine is the reference amino acid in other vertebrate species. In addition, the in silico prediction for this alteration is inconclusive. Since supporting evidence is limited at this time, the clinical significance of this alteration remains unclear.

ARUP Laboratories, Molecular Genetics and Genomics, ARUP Laboratories
Classification: Uncertain significance for Ehlers-Danlos syndrome, kyphoscoliotic type 1. Last evaluated: 2025-01-06. Review status: criteria provided, single submitter. Criteria: ARUP Molecular Germline Variant Investigation Process 2024. Collection method: clinical testing. Allele origin: germline.
Comment: The PLOD1 c.1678A>G; p.Ile560Val variant (rs369696269), to our knowledge, is not reported in the medical literature but is reported in ClinVar (Variation ID: 665409). This variant is only observed on three alleles in the Genome Aggregation Database (v2.1.1), indicating it is not a common polymorphism. Computational analyses are uncertain whether this variant is neutral or deleterious (REVEL: 0.26). Due to limited information, the clinical significance of this variant is uncertain at this time.

Labcorp Genetics (formerly Invitae), Labcorp
Classification: Uncertain significance for Ehlers-Danlos syndrome, kyphoscoliotic type 1. Last evaluated: 2022-07-27. Review status: criteria provided, single submitter. Criteria: Invitae Variant Classification Sherloc (09022015). Collection method: clinical testing. Allele origin: germline.
Comment: This sequence change replaces isoleucine, which is neutral and non-polar, with valine, which is neutral and non-polar, at codon 560 of the PLOD1 protein (p.Ile560Val). This variant is present in population databases (rs369696269, gnomAD 0.007%). This variant has not been reported in the literature in individuals affected with PLOD1-related conditions. ClinVar contains an entry for this variant (Variation ID: 665409). Algorithms developed to predict the effect of missense changes on protein structure and function (SIFT, PolyPhen-2, Align-GVGD) all suggest that this variant is likely to be tolerated. In summary, the available evidence is currently insufficient to determine the role of this variant in disease. Therefore, it has been classified as a Variant of Uncertain Significance.

NM_000302.4(PLOD1):c.1678A>G (p.Ile560Val)

Gene: PLOD1 (procollagen-lysine,2-oxoglutarate 5-dioxygenase 1; plus strand). Cytogenetic location: 1p36.22.
Variant type: single nucleotide variant.
Coding change: c.1678A>G on transcript NM_000302.4 (MANE Select); coding-DNA position 1678, A replaced by G.
Protein change: p.Ile560Val; replaces isoleucine 560 with valine.
Molecular consequence: missense variant.
Genome position (GRCh38, 1-based): chr1:11,967,014, A>G. VCF-style: chr1-11967014-A-G. GRCh37 (hg19) VCF-style: chr1-12027071-A-G.
Other names: c.1819A>G, p.Ile607Val (NM_001316320.2); short protein forms I607V, I560V.
Identifiers: ClinVar variation 665409 (VCV000665409.10), dbSNP rs369696269, ClinGen allele CA598517.